The following is an entry in ClinVar:

ClinVar aggregate classification (germline): Uncertain significance (1 of 4 stars; one submission).

Conditions:
Trichorhinophalangeal dysplasia type I (TRPS1). Also called: TRICHORHINOPHALANGEAL SYNDROME, TYPE I; TRPS I. Identifiers: Orphanet 77258, MedGen C0432233, MONDO:0008596, OMIM 190350.
Trichorhinophalangeal syndrome, type III (TRPS3). Also called: SUGIO-KAJII SYNDROME. Identifiers: Orphanet 77258, MedGen C1860823, OMIM 190351, MONDO:0008597.

Submission:

Labcorp Genetics (formerly Invitae), Labcorp
Classification: Uncertain significance for Trichorhinophalangeal syndrome, type III; Trichorhinophalangeal dysplasia type I. Last evaluated: 2025-01-02. Review status: criteria provided, single submitter. Criteria: Invitae Variant Classification Sherloc (09022015). Collection method: clinical testing. Allele origin: germline.
Comment: This sequence change replaces glycine, which is neutral and non-polar, with alanine, which is neutral and non-polar, at codon 1170 of the TRPS1 protein (p.Gly1170Ala). This variant is not present in population databases (gnomAD no frequency). This variant has not been reported in the literature in individuals affected with TRPS1-related conditions. Invitae Evidence Modeling of protein sequence and biophysical properties (such as structural, functional, and spatial information, amino acid conservation, physicochemical variation, residue mobility, and thermodynamic stability) indicates that this missense variant is not expected to disrupt TRPS1 protein function with a negative predictive value of 80%. In summary, the available evidence is currently insufficient to determine the role of this variant in disease. Therefore, it has been classified as a Variant of Uncertain Significance.

NM_014112.5(TRPS1):c.3509G>C (p.Gly1170Ala)

Gene: TRPS1 (transcriptional repressor GATA binding 1; minus strand). Cytogenetic location: 8q23.3.
Variant type: single nucleotide variant.
Coding change: c.3509G>C on transcript NM_014112.5 (MANE Select); coding-DNA position 3509, G replaced by C.
Protein change: p.Gly1170Ala; replaces glycine 1170 with alanine.
Molecular consequence: missense variant.
Genome position (GRCh38, 1-based): chr8:115,414,399, C>G on the plus strand (G>C on the coding strand, the complement: TRPS1 is on the minus strand). VCF-style: chr8-115414399-C-G. GRCh37 (hg19) VCF-style: chr8-116426627-C-G.
Other names: c.3482G>C, p.Gly1161Ala (NM_001282902.3); c.3488G>C, p.Gly1163Ala (NM_001282903.3); c.3470G>C, p.Gly1157Ala (NM_001330599.2); short protein forms G1157A, G1161A, G1163A, G1170A.
Identifiers: ClinVar variation 3758478 (VCV003758478.2).